The following is an entry in ClinVar:

NM_000093.5(COL5A1):c.1886A>G (p.Asp629Gly)

Gene: COL5A1 (collagen type V alpha 1 chain; plus strand). Cytogenetic location: 9q34.3.
Variant type: single nucleotide variant.
Coding change: c.1886A>G on transcript NM_000093.5 (MANE Select); coding-DNA position 1886, A replaced by G.
Protein change: p.Asp629Gly; replaces aspartic acid 629 with glycine.
Molecular consequence: missense variant.
Genome position (GRCh38, 1-based): chr9:134,758,247, A>G. VCF-style: chr9-134758247-A-G. GRCh37 (hg19) VCF-style: chr9-137650093-A-G.
Other names: c.1886A>G, p.Asp629Gly (NM_001278074.1); short protein forms D629G.
Identifiers: ClinVar variation 1062588 (VCV001062588.10), dbSNP rs2132698898, ClinGen allele CA375445640.

ClinVar aggregate classification (germline): Uncertain significance (1 of 4 stars; one submission).

Conditions:
Ehlers-Danlos syndrome, classic type, 1 (EDSCL1). Also called: EHLERS-DANLOS SYNDROME, GRAVIS TYPE; EHLERS-DANLOS SYNDROME, SEVERE CLASSIC TYPE; EDS I; Ehlers-Danlos Syndrome, Classic Type, COL5A1-Related; Ehlers-Danlos syndrome, type 1. Identifiers: MedGen C0268335, MONDO:0019567, OMIM 130000.

Submission:

Labcorp Genetics (formerly Invitae), Labcorp
Classification: Uncertain significance for Ehlers-Danlos syndrome, classic type, 1. Last evaluated: 2018-02-13. Review status: criteria provided, single submitter. Criteria: Invitae Variant Classification Sherloc (09022015). Collection method: clinical testing. Allele origin: germline.
Comment: In summary, the available evidence is currently insufficient to determine the role of this variant in disease. Therefore, it has been classified as a Variant of Uncertain Significance. Algorithms developed to predict the effect of missense changes on protein structure and function (SIFT, PolyPhen-2, Align-GVGD) all suggest that this variant is likely to be disruptive, but these predictions have not been confirmed by published functional studies and their clinical significance is uncertain. This variant has not been reported in the literature in individuals with COL5A1-related disease. This variant is not present in population databases (ExAC no frequency). This sequence change replaces aspartic acid with glycine at codon 629 of the COL5A1 protein (p.Asp629Gly). The aspartic acid residue is highly conserved and there is a moderate physicochemical difference between aspartic acid and glycine.